The following is an entry in ClinVar:

ClinVar aggregate classification (germline): Likely benign (1 of 4 stars; one submission).

Conditions:
Sjögren-Larsson syndrome (SLS). Also called: ICHTHYOSIS, SPASTIC NEUROLOGIC DISORDER, AND OLIGOPHRENIA; FALDH DEFICIENCY; FATTY ALCOHOL:NAD+ OXIDOREDUCTASE DEFICIENCY; FATTY ALDEHYDE DEHYDROGENASE DEFICIENCY. Identifiers: Orphanet 816, MedGen C0037231, MONDO:0010031, OMIM 270200.

Allele frequency attached by ClinVar (database versions not stated): TOPMed 0.00576; gnomAD 0.00646; gnomAD exomes 0.01471; 1000 Genomes Project 30x 0.00219; 1000 Genomes Project 0.00280.
gnomAD v4.1: 992 of 152,234 alleles (0.65%); highest among the groups gnomAD compares: Non-Finnish European, 0.91%; 7 homozygotes.

Submission:

Illumina Laboratory Services, Illumina
Classification: Likely benign for Sjögren-Larsson syndrome. Last evaluated: 2018-01-13. Review status: criteria provided, single submitter. Criteria: ICSL Variant Classification Criteria 13 December 2019. Collection method: clinical testing. Allele origin: germline.
Comment: This variant was observed in the ICSL laboratory as part of a predisposition screen in an ostensibly healthy population. It had not been previously curated by ICSL or reported in the Human Gene Mutation Database (HGMD: prior to June 1st, 2018), and was therefore a candidate for classification through an automated scoring system. Utilizing variant allele frequency, disease prevalence and penetrance estimates, and inheritance mode, an automated score was calculated to assess if this variant is too frequent to cause the disease. Based on the score and internal cut-off values, a variant classified as likely benign is not then subjected to further curation. The score for this variant resulted in a classification of likely benign for this disease.

NM_000382.3(ALDH3A2):c.*847C>T

Gene: ALDH3A2 (aldehyde dehydrogenase 3 family member A2; plus strand). Cytogenetic location: 17p11.2.
Variant type: single nucleotide variant.
Coding change: c.*847C>T on transcript NM_000382.3 (MANE Select); 847 bases downstream of the stop codon, C replaced by T.
Molecular consequence: 3 prime UTR variant.
Genome position (GRCh38, 1-based): chr17:19,676,419, C>T. VCF-style: chr17-19676419-C-T. GRCh37 (hg19) VCF-style: chr17-19579732-C-T.
Other names: c.*903C>T (NM_001031806.2, NM_001369136.1, NM_001369137.2); c.*847C>T (NM_001369138.2, NM_001369139.1, NM_001369148.2); c.*794C>T (NM_001369146.2).
Identifiers: ClinVar variation 889567 (VCV000889567.4), dbSNP rs140077586, ClinGen allele CA288560249.